The following is an entry in ClinVar:

NM_000142.5(FGFR3):c.*237C>T

Gene: FGFR3 (fibroblast growth factor receptor 3; plus strand). Cytogenetic location: 4p16.3.
Variant type: single nucleotide variant.
Coding change: c.*237C>T on transcript NM_000142.5 (MANE Select); 237 bases downstream of the stop codon, C replaced by T.
Molecular consequence: 3 prime UTR variant. On other transcripts: non-coding transcript variant (1).
Genome position (GRCh38, 1-based): chr4:1,807,499, C>T. VCF-style: chr4-1807499-C-T. GRCh37 (hg19) VCF-style: chr4-1809226-C-T.
Other names: c.*237C>T (NM_001163213.2, NM_001354809.2, NM_022965.4); c.*211C>T (NM_001354810.2).
Identifiers: ClinVar variation 4989499 (VCV004989499.1).

ClinVar aggregate classification (germline): Likely benign (1 of 4 stars; one submission).

Conditions:
FGFR3-related disorder. Also called: FGFR3-related disorders.

gnomAD v4.1: 18 of 725,550 alleles (0.0025%); highest among the groups gnomAD compares: Admixed American, 0.012%; no homozygotes.

Submission:

PreventionGenetics, part of Exact Sciences
Classification: Likely benign for FGFR3-related condition. Last evaluated: 2025-11-07. Review status: criteria provided, single submitter. Criteria: ACMG Guidelines, 2015. Collection method: clinical testing. Allele origin: germline.
Comment: This variant is classified as likely benign based on ACMG/AMP sequence variant interpretation guidelines (Richards et al. 2015 PMID: 25741868, with internal and published modifications).